The following is an entry in ClinVar:

ClinVar aggregate classification (germline): Conflicting classifications of pathogenicity. Review status: criteria provided, conflicting classifications (1 of 4 stars). 2 submissions from 2 submitters: Uncertain significance (1); Likely benign (1). Last evaluated 2025-04-08.

Allele frequency attached by ClinVar (database versions not stated): gnomAD exomes 0.00004; gnomAD 0.00005; ExAC 0.00009; TOPMed 0.00009.
gnomAD v4.1: 59 of 1,613,828 alleles (0.0037%); highest among the groups gnomAD compares: Admixed American, 0.053%; 1 homozygote.

Submissions (2):

Labcorp Genetics (formerly Invitae), Labcorp
Classification: Uncertain significance. Last evaluated: 2025-04-08. Review status: criteria provided, single submitter. Criteria: Invitae Variant Classification Sherloc (09022015). Collection method: clinical testing. Allele origin: germline.
Comment: This sequence change replaces arginine, which is basic and polar, with histidine, which is basic and polar, at codon 690 of the NFATC1 protein (p.Arg690His). This variant is present in population databases (rs779877080, gnomAD 0.08%), and has an allele count higher than expected for a pathogenic variant. This variant has not been reported in the literature in individuals affected with NFATC1-related conditions. ClinVar contains an entry for this variant (Variation ID: 1990027). An algorithm developed to predict the effect of missense changes on protein structure and function outputs the following: PolyPhen-2: "Benign". The histidine amino acid residue is found in multiple mammalian species, which suggests that this missense change does not adversely affect protein function. In summary, the available evidence is currently insufficient to determine the role of this variant in disease. Therefore, it has been classified as a Variant of Uncertain Significance.

Ambry Genetics
Classification: Likely benign. Last evaluated: 2024-10-01. Review status: criteria provided, single submitter. Criteria: Ambry Variant Classification Scheme 2023. Collection method: clinical testing. Allele origin: germline.

NM_001278669.2(NFATC1):c.2069G>A (p.Arg690His)

Gene: NFATC1 (nuclear factor of activated T cells 1; plus strand). Cytogenetic location: 18q23.
Variant type: single nucleotide variant.
Coding change: c.2069G>A on transcript NM_001278669.2 (MANE Select); coding-DNA position 2069, G replaced by A.
Protein change: p.Arg690His; replaces arginine 690 with histidine.
Molecular consequence: missense variant.
Genome position (GRCh38, 1-based): chr18:79,467,559, G>A. VCF-style: chr18-79467559-G-A. GRCh37 (hg19) VCF-style: chr18-77227559-G-A.
Other names: c.2030G>A (NM_172387.1); c.2069G>A, p.Arg690His (NM_001278670.2, NM_006162.5, NM_172390.3); c.2030G>A, p.Arg677His (NM_001278672.2, NM_001278675.2, NM_172387.3 and 1 more transcripts); c.653G>A, p.Arg218His (NM_001278673.2, NM_172388.3); short protein forms R690H, R218H, R677H.
Identifiers: ClinVar variation 1990027 (VCV001990027.5), dbSNP rs779877080, ClinGen allele CA9009475.